The following is an entry in ClinVar:

ClinVar aggregate classification (germline): Uncertain significance (1 of 4 stars; one submission).

Submission:

CeGaT Center for Human Genetics Tuebingen
Classification: Uncertain significance. Last evaluated: 2023-10-01. Review status: criteria provided, single submitter. Criteria: CeGaT Center For Human Genetics Tuebingen Variant Classification Criteria Version 2. Collection method: clinical testing. Allele origin: germline. Affected: yes. Observed: 1 variant allele.
Comment: POLA1: PM2, PP4

NM_001330360.2(POLA1):c.2347-7T>G

Gene: POLA1 (DNA polymerase alpha 1, catalytic subunit; plus strand). Cytogenetic location: Xp22.11.
Variant type: single nucleotide variant.
Coding change: c.2347-7T>G on transcript NM_001330360.2 (MANE Select); 7 bases into the intron before coding-DNA position 2347, T replaced by G.
Molecular consequence: intron variant.
Genome position (GRCh38, 1-based): chrX:24,741,995, T>G. VCF-style: chrX-24741995-T-G. GRCh37 (hg19) VCF-style: chrX-24760112-T-G.
Other names: c.2272-7T>G (NM_001378303.1); c.2329-7T>G (NM_016937.4).
Identifiers: ClinVar variation 2660198 (VCV002660198.24), dbSNP rs2518837078, ClinGen allele CA2695200166.
Genomic context (GRCh38, chrX:24,741,995, plus strand): 5'-GACTCAAAGTTGCTTTTGTTAGTTGTGGTTTTGAGCTCAAATTTAAAAAATAAATTCCAT[T>G]TAATAGTCCAGGACGCTGATGGGTGGACGATCCGAGCGTAACGAGTTCTTGTTGCTTCAT-3'